The following is an entry in ClinVar:

ClinVar aggregate classification (germline): Likely pathogenic (1 of 4 stars; one submission).

Conditions:
Charcot-Marie-Tooth disease axonal type 2V. Also called: CHARCOT-MARIE-TOOTH NEUROPATHY, TYPE 2V; CHARCOT-MARIE-TOOTH DISEASE, AXONAL, AUTOSOMAL DOMINANT, TYPE 2V. Identifiers: Orphanet 447964, MedGen C5569050, MONDO:0014665, OMIM 616491.
Mucopolysaccharidosis, MPS-III-B (MPS3B). Also called: N-ACETYL-ALPHA-D-GLUCOSAMINIDASE DEFICIENCY; NAGLU DEFICIENCY; SANFILIPPO SYNDROME B; MPS III B; MUCOPOLYSACCHARIDOSIS, TYPE IIIB; MPS IIIB (Sanfilippo Syndrome Type B). Identifiers: Orphanet 79270, MedGen C0086648, MONDO:0009656, OMIM 252920.

Allele frequency attached by ClinVar (database versions not stated): gnomAD exomes below 0.00001.
gnomAD v4.1: 3 of 1,614,148 alleles (0.00019%); highest among the groups gnomAD compares: South Asian, 0.0011%; no homozygotes.

Submission:

Labcorp Genetics (formerly Invitae), Labcorp
Classification: Likely pathogenic for Charcot-Marie-Tooth disease axonal type 2V; Mucopolysaccharidosis, MPS-III-B. Last evaluated: 2023-01-31. Review status: criteria provided, single submitter. Criteria: Invitae Variant Classification Sherloc (09022015). Collection method: clinical testing. Allele origin: germline.
Comment: In summary, the currently available evidence indicates that the variant is pathogenic, but additional data are needed to prove that conclusively. Therefore, this variant has been classified as Likely Pathogenic. Advanced modeling of protein sequence and biophysical properties (such as structural, functional, and spatial information, amino acid conservation, physicochemical variation, residue mobility, and thermodynamic stability) performed at Invitae indicates that this missense variant is expected to disrupt NAGLU protein function. This missense change has been observed in individual(s) with mucopolysaccharidosis type IIIB (PMID: 32578945). In at least one individual the data is consistent with being in trans (on the opposite chromosome) from a pathogenic variant. This variant is not present in population databases (gnomAD no frequency). This sequence change replaces proline, which is neutral and non-polar, with leucine, which is neutral and non-polar, at codon 213 of the NAGLU protein (p.Pro213Leu).

Literature cited by the submitters: PubMed 32578945.

NM_000263.4(NAGLU):c.638C>T (p.Pro213Leu)

Gene: NAGLU (N-acetyl-alpha-glucosaminidase; plus strand). Cytogenetic location: 17q21.2.
Variant type: single nucleotide variant.
Coding change: c.638C>T on transcript NM_000263.4 (MANE Select); coding-DNA position 638, C replaced by T.
Protein change: p.Pro213Leu; replaces proline 213 with leucine.
Molecular consequence: missense variant.
Genome position (GRCh38, 1-based): chr17:42,538,445, C>T. VCF-style: chr17-42538445-C-T. GRCh37 (hg19) VCF-style: chr17-40690463-C-T.
Other names: short protein forms P213L.
Identifiers: ClinVar variation 2099078 (VCV002099078.4), dbSNP rs2510653298, ClinGen allele CA399598650.